The following is an entry in ClinVar:

ClinVar aggregate classification (germline): Uncertain significance. Review status: criteria provided, multiple submitters, no conflicts (2 of 4 stars). 2 submissions from 2 submitters: Uncertain significance (2). Last evaluated 2025-05-16.

Conditions:
Inborn genetic diseases. Identifiers: MedGen C0950123, MeSH D030342.
MPV17-related disorder. Also called: MPV17-related condition; MPV17-related disorders. Identifiers: MedGen CN239328.

gnomAD v4.1: 10 of 1,613,994 alleles (0.00062%); highest among the groups gnomAD compares: African/African-American, 0.0013%; no homozygotes.

Submissions (2):

PreventionGenetics, part of Exact Sciences
Classification: Uncertain significance for MPV17-related condition. Last evaluated: 2025-05-16. Review status: criteria provided, single submitter. Criteria: ACMG Guidelines, 2015. Collection method: clinical testing. Allele origin: germline.
Comment: The MPV17 c.362C>T variant is predicted to result in the amino acid substitution p.Ala121Val. To our knowledge, this variant has not been reported in the literature. This variant is reported in 0.0065% of alleles in individuals of European (Non-Finnish) descent in gnomAD. At this time, the clinical significance of this variant is uncertain due to the absence of conclusive functional and genetic evidence.

Ambry Genetics
Classification: Uncertain significance for Inborn genetic diseases. Last evaluated: 2024-08-10. Review status: criteria provided, single submitter. Criteria: Ambry Variant Classification Scheme 2023. Collection method: clinical testing. Allele origin: germline.

NM_002437.5(MPV17):c.362C>T (p.Ala121Val)

Gene: MPV17 (mitochondrial inner membrane protein MPV17; minus strand). Cytogenetic location: 2p23.3.
Variant type: single nucleotide variant.
Coding change: c.362C>T on transcript NM_002437.5 (MANE Select); coding-DNA position 362, C replaced by T.
Protein change: p.Ala121Val; replaces alanine 121 with valine.
Molecular consequence: missense variant.
Genome position (GRCh38, 1-based): chr2:27,312,507, G>A on the plus strand (C>T on the coding strand, the complement: MPV17 is on the minus strand). VCF-style: chr2-27312507-G-A. GRCh37 (hg19) VCF-style: chr2-27535374-G-A.
Other names: short protein forms A121V.
Identifiers: ClinVar variation 3397760 (VCV003397760.2).
Genomic context (GRCh38, chr2:27,312,507, plus strand): 5'-CTGTCAGCCCGCCAGCCAGAGACATTCTCCACACCTGCCCAGCTCACCCGCTGTAGTTTG[G>A]CCCAGTTGTCCTGGGCTGACAGTCCATTAAGTGCCCCTACCAGTGGGAGAAAGCAGCCTA-3'
Protein context (NP_002428.1, residues 111-131): LNGLSAQDNW[Ala121Val]KLQRDYPDAL